The following is an entry in ClinVar:

NM_004656.4(BAP1):c.176G>A (p.Arg59Gln)

Genes: BAP1 (BRCA1 associated deubiquitinase 1; minus strand), PHF7 (PHD finger protein 7; plus strand). Cytogenetic location: 3p21.1.
Variant type: single nucleotide variant.
Coding change: c.176G>A on transcript NM_004656.4 (MANE Select); coding-DNA position 176, G replaced by A.
Protein change: p.Arg59Gln; replaces arginine 59 with glutamine.
Molecular consequence: missense variant.
Genome position (GRCh38, 1-based): chr3:52,408,553, C>T on the plus strand (G>A on the coding strand, the complement: BAP1 is on the minus strand). VCF-style: chr3-52408553-C-T. GRCh37 (hg19) VCF-style: chr3-52442569-C-T.
Other names: short protein forms R59Q.
Identifiers: ClinVar variation 1320722 (VCV001320722.11), dbSNP rs1298276806, ClinGen allele CA353113468.

ClinVar aggregate classification (germline): Conflicting classifications of pathogenicity. Review status: criteria provided, conflicting classifications (1 of 4 stars). 4 submissions from 4 submitters: Pathogenic (1); Likely pathogenic (2); Uncertain significance (1). Last evaluated 2026-01-05.

Conditions:
Kury-Isidor syndrome (KURIS). Identifiers: MedGen C5676925, MONDO:0859230, OMIM 619762.
BAP1-related tumor predisposition syndrome (TPDS1). Also called: TUMOR PREDISPOSITION SYNDROME 1; BAP1 tumor predisposition syndrome; COMMON Syndrome; Tumor susceptibility linked to germline BAP1 mutations. Identifiers: Orphanet 289539, MedGen C3280492, MONDO:0013692, OMIM 614327.

Submissions (4):

3billion
Classification: Likely pathogenic for Kury-Isidor syndrome. Last evaluated: 2026-01-05. Review status: criteria provided, single submitter. Criteria: ACMG Guidelines, 2015. Collection method: clinical testing. Allele origin: germline. Affected: yes.
Comment: The variant is not observed in the gnomAD v4.1.0 dataset. Predicted Consequence/Location: Missense variant. The majority of the known disease-causing variants of this gene are variants expected to result in premature termination of the protein. The same nucleotide change resulting in the same amino acid change has been previously reported as pathogenic/likely pathogenic with strong evidence (ClinVar ID: VCV001320722). A different missense change at the same codon (p.Arg59Pro) has been reported to be associated with BAP1-related disorder (ClinVar ID: VCV001173080). Therefore, this variant is classified as Likely pathogenic according to the recommendation of ACMG/AMP guideline.

Institute of Medical Genetics and Applied Genomics, University Hospital Tübingen
Classification: Likely pathogenic for Kury-Isidor syndrome. Last evaluated: 2025-10-24. Review status: criteria provided, single submitter. Criteria: ACMG Guidelines, 2015. Collection method: clinical testing. Allele origin: de novo. Inheritance: Autosomal dominant inheritance. Affected: yes.

GeneDx
Classification: Pathogenic. Last evaluated: 2025-07-15. Review status: criteria provided, single submitter. Criteria: GeneDx Variant Classification Process June 2021. Collection method: clinical testing. Allele origin: germline. Affected: yes.
Comment: Has not been previously published as pathogenic or benign to our knowledge; In silico analysis supports that this missense variant has a deleterious effect on protein structure/function; Not observed at significant frequency in large population cohorts (gnomAD)

Labcorp Genetics (formerly Invitae), Labcorp
Classification: Uncertain significance for BAP1-related tumor predisposition syndrome. Last evaluated: 2025-06-22. Review status: criteria provided, single submitter. Criteria: Invitae Variant Classification Sherloc (09022015). Collection method: clinical testing. Allele origin: germline.
Comment: This sequence change replaces arginine, which is basic and polar, with glutamine, which is neutral and polar, at codon 59 of the BAP1 protein (p.Arg59Gln). This variant is not present in population databases (gnomAD no frequency). This variant has not been reported in the literature in individuals affected with BAP1-related conditions. ClinVar contains an entry for this variant (Variation ID: 1320722). Invitae Evidence Modeling of protein sequence and biophysical properties (such as structural, functional, and spatial information, amino acid conservation, physicochemical variation, residue mobility, and thermodynamic stability) indicates that this missense variant is expected to disrupt BAP1 protein function with a positive predictive value of 80%. In summary, the available evidence is currently insufficient to determine the role of this variant in disease. Therefore, it has been classified as a Variant of Uncertain Significance.